The following is an entry in ClinVar:

ClinVar aggregate classification (germline): Pathogenic (1 of 4 stars; one submission).

Conditions:
Childhood apraxia of speech (SPCH1). Also called: DEVELOPMENTAL VERBAL DYSPRAXIA; SPEECH AND LANGUAGE DISORDER WITH OROFACIAL DYSPRAXIA; FOXP2-Related Speech and Language Disorder; Speech language disorder. Identifiers: Orphanet 209908, MedGen C0750927, MONDO:0011184, OMIM 602081.

Submission:

Institute of Human Genetics, University of Leipzig Medical Center
Classification: Pathogenic for Childhood apraxia of speech. Last evaluated: 2026-08-28. Review status: criteria provided, single submitter. Criteria: ACMG Guidelines, 2015. Collection method: clinical testing. Allele origin: unknown. Inheritance: Autosomal dominant inheritance. Affected: yes.
Comment: Criteria applied: PVS1,PM2

NM_014491.4(FOXP2):c.1481del (p.Asn494fs)

Gene: FOXP2 (forkhead box P2; plus strand). Cytogenetic location: 7q31.1.
Variant type: Deletion.
Coding change: c.1481del on transcript NM_014491.4 (MANE Select); coding-DNA position 1481, one base deleted (A; older notation c.1481delA).
Protein change: p.Asn494fs; shifts the reading frame from asparagine 494.
Molecular consequence: frameshift variant. On other transcripts: non-coding transcript variant (2).
Genome position (GRCh38, 1-based): chr7:114,659,368, A deleted; the last of 3 consecutive A bases (chr7:114,659,366-114,659,368); deleting any one gives the same sequence. VCF-style (leftmost placement, unchanged base first): chr7-114659365-CA-C. GRCh37 (hg19) VCF-style: chr7-114299420-CA-C.
Other names: c.1478del, p.Asn493fs (NM_001172766.3); c.1556del, p.Asn519fs (NM_148898.4); c.1532del, p.Asn511fs (NM_148900.4); short protein forms N493fs, N494fs, N511fs, N519fs.
Identifiers: ClinVar variation 4890740 (VCV004890740.1).